The following is an entry in ClinVar:

NM_007294.4(BRCA1):c.4357+6T>A

Gene: BRCA1 (BRCA1 DNA repair associated; minus strand). Cytogenetic location: 17q21.31.
Variant type: single nucleotide variant.
Coding change: c.4357+6T>A on transcript NM_007294.4 (MANE Select); 6 bases into the intron after coding-DNA position 4357, T replaced by A.
Molecular consequence: intron variant.
Genome position (GRCh38, 1-based): chr17:43,082,398, A>T on the plus strand (T>A on the coding strand, the complement: BRCA1 is on the minus strand). VCF-style: chr17-43082398-A-T. GRCh37 (hg19) VCF-style: chr17-41234415-A-T.
Other names: c.4216+6T>A (NM_001407733.1, NM_001407942.1, NM_001407694.1 and 23 more transcripts); c.904+6T>A (NM_001408465.1, NM_001408463.1, NM_001408462.1 and 5 more transcripts); c.838+6T>A (NM_001408482.1, NM_001408484.1, NM_001408478.1 and 6 more transcripts); c.4093+6T>A (NM_001407920.1, NM_001407927.1, NM_001407923.1 and 7 more transcripts); c.4213+6T>A (NM_001407751.1, NM_001407740.1, NM_001407841.1 and 23 more transcripts); c.4021+6T>A (NM_001407954.1, NM_001407952.1, NM_001407957.1 and 3 more transcripts); c.781+6T>A (NM_001408504.1, NM_001408503.1, NM_001408505.1); c.4210+6T>A (NM_001407847.1, NM_001407848.1, NM_001407849.1); and 51 more.
Identifiers: ClinVar variation 1332477 (VCV001332477.5), dbSNP rs80358143, ClinGen allele CA2573054440.

ClinVar aggregate classification (germline): Uncertain significance (1 of 4 stars; one submission).

Conditions:
Hereditary cancer-predisposing syndrome. Also called: Tumor predisposition; Hereditary Cancer Syndrome; Neoplastic Syndromes, Hereditary; Hereditary neoplastic syndrome. Identifiers: Orphanet 140162, MedGen C0027672, MeSH D009386, MONDO:0015356.

Submission:

Color Diagnostics, LLC DBA Color Health
Classification: Uncertain significance for Hereditary cancer-predisposing syndrome. Last evaluated: 2023-05-23. Review status: criteria provided, single submitter. Criteria: ACMG Guidelines, 2015. Collection method: clinical testing. Allele origin: germline.
Comment: This variant causes a T to A nucleotide substitution at the +6 position of intron 12 of the BRCA1 gene. To our knowledge, functional studies have not been reported for this variant. This variant has not been reported in individuals affected with hereditary cancer in the literature. This variant has not been identified in the general population by the Genome Aggregation Database (gnomAD). However, a similar mutation c.4357+6T>C has been shown to cause the out-of-frame skipping of exon 12 (PMID: 7493024, 30586678), and c.4357+6T>C and c.4357+6T>G have been reported in multiple families affected with breast and/or ovarian cancers (PMID: 7493024, 12698193, 17688236, 29337092, 30586678). Although there is a suspicion that this variant may be associated with disease, additional studies are necessary to determine the role of this variant in disease conclusively. Therefore, this variant is classified as a Variant of Uncertain Significance.

Literature cited by the submitters: PubMed 7493024; PubMed 12698193; PubMed 17688236; PubMed 29337092; PubMed 30586678.